The following is an entry in ClinVar:

NM_000059.4(BRCA2):c.*271C>A

Gene: BRCA2 (BRCA2 DNA repair associated; plus strand). Cytogenetic location: 13q13.1.
Variant type: single nucleotide variant.
Coding change: c.*271C>A on transcript NM_000059.4 (MANE Select); 271 bases downstream of the stop codon, C replaced by A.
Molecular consequence: 3 prime UTR variant.
Genome position (GRCh38, 1-based): chr13:32,399,041, C>A. VCF-style: chr13-32399041-C-A. GRCh37 (hg19) VCF-style: chr13-32973178-C-A.
Identifiers: ClinVar variation 881309 (VCV000881309.5), dbSNP rs868342410, ClinGen allele CA247510009.

ClinVar aggregate classification (germline): Uncertain significance. Review status: criteria provided, multiple submitters, no conflicts (2 of 4 stars). 3 submissions from 2 submitters: Uncertain significance (3). Last evaluated 2025-01-25.

Conditions:
Breast-ovarian cancer, familial, susceptibility to, 2 (BROVCA2). Also called: BRCA2 Hereditary Breast and Ovarian Cancer. Identifiers: Orphanet 145, MedGen C2675520, MONDO:0012933, OMIM 612555. Disease mechanism: loss of function.
Fanconi anemia complementation group D1. Also called: BRCA2-Related Fanconi Anemia. Identifiers: Orphanet 319462, MedGen C1838457, MONDO:0011584, OMIM 605724.

Allele frequency attached by ClinVar (database versions not stated): gnomAD 0.00001; TOPMed 0.00002; gnomAD exomes 0.00003.

Submissions (3):

GeneDx
Classification: Uncertain significance. Last evaluated: 2025-01-25. Review status: criteria provided, single submitter. Criteria: GeneDx Variant Classification Process June 2021. Collection method: clinical testing. Allele origin: germline. Affected: yes.
Comment: Not observed at significant frequency in large population cohorts (gnomAD); This variant is associated with the following publications: (PMID: 26898890)

Illumina Laboratory Services, Illumina
Classification: Uncertain significance for Breast-ovarian cancer, familial, susceptibility to, 2. Last evaluated: 2018-01-12. Review status: criteria provided, single submitter. Criteria: ICSL Variant Classification Criteria 13 December 2019. Collection method: clinical testing. Allele origin: germline.

Illumina Laboratory Services, Illumina
Classification: Uncertain significance for Fanconi anemia complementation group D1. Last evaluated: 2018-01-12. Review status: criteria provided, single submitter. Criteria: ICSL Variant Classification Criteria 13 December 2019. Collection method: clinical testing. Allele origin: germline.